The following is an entry in ClinVar:

NM_001349253.2(SCN11A):c.344T>A (p.Phe115Tyr)

Gene: SCN11A (sodium voltage-gated channel alpha subunit 11; minus strand). Cytogenetic location: 3p22.2.
Variant type: single nucleotide variant.
Coding change: c.344T>A on transcript NM_001349253.2 (MANE Select); coding-DNA position 344, T replaced by A.
Protein change: p.Phe115Tyr; replaces phenylalanine 115 with tyrosine.
Molecular consequence: missense variant.
Genome position (GRCh38, 1-based): chr3:38,946,831, A>T on the plus strand (T>A on the coding strand, the complement: SCN11A is on the minus strand). VCF-style: chr3-38946831-A-T. GRCh37 (hg19) VCF-style: chr3-38988322-A-T.
Other names: c.344T>A, p.Phe115Tyr (NM_014139.3); short protein forms F115Y.
Identifiers: ClinVar variation 1731553 (VCV001731553.2), dbSNP rs746333702, ClinGen allele CA2322651.

ClinVar aggregate classification (germline): Uncertain significance (1 of 4 stars; one submission).

Conditions:
Inborn genetic diseases. Identifiers: MedGen C0950123, MeSH D030342.

Allele frequency attached by ClinVar (database versions not stated): gnomAD exomes below 0.00001; ExAC 0.00001.
gnomAD v4.1: 1 of 1,614,006 alleles (0.000062%); highest among the groups gnomAD compares: Admixed American, 0.0017%; no homozygotes.

Submission:

Ambry Genetics
Classification: Uncertain significance for Inborn genetic diseases. Last evaluated: 2021-08-23. Review status: criteria provided, single submitter. Criteria: Ambry Variant Classification Scheme 2023. Collection method: clinical testing. Allele origin: germline.
Comment: The p.F115Y variant (also known as c.344T>A), located in coding exon 2 of the SCN11A gene, results from a T to A substitution at nucleotide position 344. The phenylalanine at codon 115 is replaced by tyrosine, an amino acid with highly similar properties. This amino acid position is conserved. In addition, this alteration is predicted to be deleterious by in silico analysis. Since supporting evidence is limited at this time, the clinical significance of this alteration remains unclear.